The following is an entry in ClinVar:

ClinVar aggregate classification (germline): Uncertain significance (1 of 4 stars; one submission).

Allele frequency attached by ClinVar (database versions not stated): gnomAD exomes 0.00001; ExAC 0.00002; gnomAD 0.00002; TOPMed 0.00002.
gnomAD v4.1: 11 of 1,613,592 alleles (0.00068%); highest among the groups gnomAD compares: Non-Finnish European, 0.00093%; no homozygotes.

Submission:

GeneDx
Classification: Uncertain significance. Last evaluated: 2020-07-10. Review status: criteria provided, single submitter. Criteria: GeneDx Variant Classification Process June 2021. Collection method: clinical testing. Allele origin: germline. Affected: yes.
Comment: Not observed at a significant frequency in large population cohorts (Lek et al., 2016); In silico analysis supports that this missense variant does not alter protein structure/function; In vitro functional studies in HeLa cells suggest that K5R reduced overall GKRP acetylation and increased GKRP ubiquitination (Park et al., 2015); nevertheless, it is unclear how these studies may translate to a pathogenic role in vivo; This variant is associated with the following publications: (PMID: 26620281)

NM_001486.4(GCKR):c.14A>G (p.Lys5Arg)

Gene: GCKR (glucokinase regulator; plus strand). Cytogenetic location: 2p23.3.
Variant type: single nucleotide variant.
Coding change: c.14A>G on transcript NM_001486.4 (MANE Select); coding-DNA position 14, A replaced by G.
Protein change: p.Lys5Arg; replaces lysine 5 with arginine.
Molecular consequence: missense variant.
Genome position (GRCh38, 1-based): chr2:27,496,918, A>G. VCF-style: chr2-27496918-A-G. GRCh37 (hg19) VCF-style: chr2-27719785-A-G.
Other names: short protein forms K5R.
Identifiers: ClinVar variation 1313047 (VCV001313047.2), dbSNP rs775406361, ClinGen allele CA1581388.